The following is an entry in ClinVar:

ClinVar aggregate classification (germline): Uncertain significance (1 of 4 stars; one submission).

Allele frequency attached by ClinVar (database versions not stated): gnomAD exomes 0.00001.
gnomAD v4.1: 4 of 1,608,448 alleles (0.00025%); highest among the groups gnomAD compares: Middle Eastern, 0.017%; no homozygotes.

Submission:

Labcorp Genetics (formerly Invitae), Labcorp
Classification: Uncertain significance. Last evaluated: 2022-06-08. Review status: criteria provided, single submitter. Criteria: Invitae Variant Classification Sherloc (09022015). Collection method: clinical testing. Allele origin: germline.
Comment: In summary, the available evidence is currently insufficient to determine the role of this variant in disease. Therefore, it has been classified as a Variant of Uncertain Significance. Algorithms developed to predict the effect of missense changes on protein structure and function (SIFT, PolyPhen-2, Align-GVGD) all suggest that this variant is likely to be tolerated. This variant has not been reported in the literature in individuals affected with LAMA1-related conditions. This variant is not present in population databases (gnomAD no frequency). This sequence change replaces valine, which is neutral and non-polar, with leucine, which is neutral and non-polar, at codon 1181 of the LAMA1 protein (p.Val1181Leu).

NM_005559.4(LAMA1):c.3541G>C (p.Val1181Leu)

Gene: LAMA1 (laminin subunit alpha 1; minus strand). Cytogenetic location: 18p11.31.
Variant type: single nucleotide variant.
Coding change: c.3541G>C on transcript NM_005559.4 (MANE Select); coding-DNA position 3541, G replaced by C.
Protein change: p.Val1181Leu; replaces valine 1181 with leucine.
Molecular consequence: missense variant.
Genome position (GRCh38, 1-based): chr18:7,011,446, C>G on the plus strand (G>C on the coding strand, the complement: LAMA1 is on the minus strand). VCF-style: chr18-7011446-C-G. GRCh37 (hg19) VCF-style: chr18-7011445-C-G.
Other names: short protein forms V1181L.
Identifiers: ClinVar variation 1936390 (VCV001936390.5), dbSNP rs2057860127, ClinGen allele CA401849483.
Genomic context (GRCh38, chr18:7,011,446, plus strand): 5'-AGTCGGGGGCCTGGTAGTAAACCCCCTCGGTCGTGCCCCTCAAGTTACTCTGAGAAACCA[C>G]ACGCAGAAGAGGCTGATCGGAGCCCAGCGTTACCTAAACCACGAAAGGAGGGGAAAGTGC-3'
Protein context (NP_005550.2, residues 1171-1191): TLGSDQPLLR[Val1181Leu]VSQSNLRGTT